The following is an entry in ClinVar:

ClinVar aggregate classification (germline): Uncertain significance. Review status: criteria provided, multiple submitters, no conflicts (2 of 4 stars). 2 submissions from 2 submitters: Uncertain significance (2). Last evaluated 2025-09-12.

Conditions:
Inborn genetic diseases. Identifiers: MedGen C0950123, MeSH D030342.
Monocytopenia with susceptibility to infections. Also called: IMMUNODEFICIENCY 21; GATA2 DEFICIENCY; MONOCYTOPENIA AND MYCOBACTERIAL INFECTION SYNDROME; MONOCYTOPENIA WITH SUSCEPTIBILITY TO MYCOBACTERIAL, FUNGAL, AND PAPILLOMAVIRUS INFECTIONS AND MYELODYSPLASIA; COMBINED IMMUNODEFICIENCY WITH SUSCEPTIBILITY TO MYCOBACTERIAL, VIRAL, AND FUNGAL INFECTIONS; Dendritic cell, monocyte, B lymphocyte, and natural killer lymphocyte deficiency. Identifiers: Orphanet 228423, MedGen C3280030, MONDO:0013607, OMIM 614172.
Deafness-lymphedema-leukemia syndrome. Also called: Emberger syndrome; Lymphedema, primary, with myelodysplasia. Identifiers: Orphanet 3226, MedGen C3279664, MONDO:0013540, OMIM 614038.

Allele frequency attached by ClinVar (database versions not stated): gnomAD 0.00001.
gnomAD v4.1: 2 of 1,606,344 alleles (0.00012%); highest among the groups gnomAD compares: Admixed American, 0.0033%; no homozygotes.

Submissions (2):

Ambry Genetics
Classification: Uncertain significance for Inborn genetic diseases. Last evaluated: 2025-09-12. Review status: criteria provided, single submitter. Criteria: Ambry Variant Classification Scheme 2023. Collection method: clinical testing. Allele origin: germline.
Comment: The p.R204Q variant (also known as c.611G>A), located in coding exon 2 of the GATA2 gene, results from a G to A substitution at nucleotide position 611. The arginine at codon 204 is replaced by glutamine, an amino acid with highly similar properties. This amino acid position is highly conserved in available vertebrate species. In addition, the in silico prediction for this alteration is inconclusive. Based on the available evidence, the clinical significance of this variant remains unclear.

Labcorp Genetics (formerly Invitae), Labcorp
Classification: Uncertain significance for Monocytopenia with susceptibility to infections; Deafness-lymphedema-leukemia syndrome. Last evaluated: 2025-04-10. Review status: criteria provided, single submitter. Criteria: Invitae Variant Classification Sherloc (09022015). Collection method: clinical testing. Allele origin: germline.
Comment: This sequence change replaces arginine, which is basic and polar, with glutamine, which is neutral and polar, at codon 204 of the GATA2 protein (p.Arg204Gln). This variant is present in population databases (no rsID available, gnomAD 0.1%). This variant has not been reported in the literature in individuals affected with GATA2-related conditions. ClinVar contains an entry for this variant (Variation ID: 935470). Invitae Evidence Modeling of protein sequence and biophysical properties (such as structural, functional, and spatial information, amino acid conservation, physicochemical variation, residue mobility, and thermodynamic stability) indicates that this missense variant is not expected to disrupt GATA2 protein function with a negative predictive value of 95%. In summary, the available evidence is currently insufficient to determine the role of this variant in disease. Therefore, it has been classified as a Variant of Uncertain Significance.

NM_032638.5(GATA2):c.611G>A (p.Arg204Gln)

Gene: GATA2 (GATA binding protein 2; minus strand). Cytogenetic location: 3q21.3.
Variant type: single nucleotide variant.
Coding change: c.611G>A on transcript NM_032638.5 (MANE Select); coding-DNA position 611, G replaced by A.
Protein change: p.Arg204Gln; replaces arginine 204 with glutamine.
Molecular consequence: missense variant.
Genome position (GRCh38, 1-based): chr3:128,485,987, C>T on the plus strand (G>A on the coding strand, the complement: GATA2 is on the minus strand). VCF-style: chr3-128485987-C-T. GRCh37 (hg19) VCF-style: chr3-128204830-C-T.
Other names: c.611G>A, p.Arg204Gln (NM_001145661.2, NM_001145662.1); short protein forms R204Q.
Identifiers: ClinVar variation 935470 (VCV000935470.10), dbSNP rs1460001422, ClinGen allele CA354406421.